The following is an entry in ClinVar:

NM_201253.3(CRB1):c.1625T>C (p.Ile542Thr)

Gene: CRB1 (crumbs cell polarity complex component 1; plus strand). Cytogenetic location: 1q31.3.
Variant type: single nucleotide variant.
Coding change: c.1625T>C on transcript NM_201253.3 (MANE Select); coding-DNA position 1625, T replaced by C.
Protein change: p.Ile542Thr; replaces isoleucine 542 with threonine.
Molecular consequence: missense variant. On other transcripts: non-coding transcript variant (2).
Genome position (GRCh38, 1-based): chr1:197,421,453, T>C. VCF-style: chr1-197421453-T-C. GRCh37 (hg19) VCF-style: chr1-197390583-T-C.
Other names: c.1289T>C, p.Ile430Thr (NM_001193640.2); c.1418T>C, p.Ile473Thr (NM_001257965.2); c.1625T>C, p.Ile542Thr (NM_001257966.2); short protein forms I542T, I430T, I473T.
Identifiers: ClinVar variation 1512076 (VCV001512076.8), dbSNP rs2125470239, ClinGen allele CA344031756.

ClinVar aggregate classification (germline): Uncertain significance (1 of 4 stars; one submission).

Conditions:
Leber congenital amaurosis 8 (LCA8). Identifiers: Orphanet 65, MedGen C3151202, MONDO:0013453, OMIM 613835.
Retinitis pigmentosa 12 (RP12). Also called: RP WITH OR WITHOUT PRESERVED PARAARTERIOLE RETINAL PIGMENT EPITHELIUM; RETINITIS PIGMENTOSA WITH OR WITHOUT PARAARTERIOLAR PRESERVATION OF RETINAL PIGMENT EPITHELIUM; RP WITH OR WITHOUT PPRPE. Identifiers: Orphanet 791, MedGen C1838647, MONDO:0010818, OMIM 600105.

Submission:

Labcorp Genetics (formerly Invitae), Labcorp
Classification: Uncertain significance for Leber congenital amaurosis 8; Retinitis pigmentosa 12. Last evaluated: 2024-02-24. Review status: criteria provided, single submitter. Criteria: Invitae Variant Classification Sherloc (09022015). Collection method: clinical testing. Allele origin: germline.
Comment: This sequence change replaces isoleucine, which is neutral and non-polar, with threonine, which is neutral and polar, at codon 542 of the CRB1 protein (p.Ile542Thr). This variant is not present in population databases (gnomAD no frequency). This variant has not been reported in the literature in individuals affected with CRB1-related conditions. ClinVar contains an entry for this variant (Variation ID: 1512076). Advanced modeling of protein sequence and biophysical properties (such as structural, functional, and spatial information, amino acid conservation, physicochemical variation, residue mobility, and thermodynamic stability) performed at Invitae indicates that this missense variant is expected to disrupt CRB1 protein function with a positive predictive value of 80%. In summary, the available evidence is currently insufficient to determine the role of this variant in disease. Therefore, it has been classified as a Variant of Uncertain Significance.